The following is an entry in ClinVar:

NM_021942.6(TRAPPC11):c.1670C>T (p.Ala557Val)

Gene: TRAPPC11 (trafficking protein particle complex subunit 11; plus strand). Cytogenetic location: 4q35.1.
Variant type: single nucleotide variant.
Coding change: c.1670C>T on transcript NM_021942.6 (MANE Select); coding-DNA position 1670, C replaced by T.
Protein change: p.Ala557Val; replaces alanine 557 with valine.
Molecular consequence: missense variant.
Genome position (GRCh38, 1-based): chr4:183,685,311, C>T. VCF-style: chr4-183685311-C-T. GRCh37 (hg19) VCF-style: chr4-184606464-C-T.
Other names: c.1670C>T, p.Ala557Val (NM_199053.3); short protein forms A557V.
Identifiers: ClinVar variation 1461654 (VCV001461654.8), dbSNP rs1474706926, ClinGen allele CA358868249.

ClinVar aggregate classification (germline): Uncertain significance (1 of 4 stars; one submission).

Conditions:
Autosomal recessive limb-girdle muscular dystrophy type R18 (LGMDR18). Also called: Limb-girdle muscular dystrophy, type 2S; Autosomal recessive limb-girdle muscular dystrophy type 2S; MUSCULAR DYSTROPHY, LIMB-GIRDLE, AUTOSOMAL RECESSIVE 18. Identifiers: Orphanet 369840, MedGen C4517996, MONDO:0014144, OMIM 615356.

Allele frequency attached by ClinVar (database versions not stated): gnomAD exomes below 0.00001; TOPMed below 0.00001.

Submission:

Labcorp Genetics (formerly Invitae), Labcorp
Classification: Uncertain significance for Autosomal recessive limb-girdle muscular dystrophy type R18. Last evaluated: 2022-01-17. Review status: criteria provided, single submitter. Criteria: Invitae Variant Classification Sherloc (09022015). Collection method: clinical testing. Allele origin: germline.
Comment: In summary, the available evidence is currently insufficient to determine the role of this variant in disease. Therefore, it has been classified as a Variant of Uncertain Significance. Algorithms developed to predict the effect of missense changes on protein structure and function are either unavailable or do not agree on the potential impact of this missense change (SIFT: "Tolerated"; PolyPhen-2: "Possibly Damaging"; Align-GVGD: "Class C0"). This sequence change replaces alanine, which is neutral and non-polar, with valine, which is neutral and non-polar, at codon 557 of the TRAPPC11 protein (p.Ala557Val). This variant is present in population databases (no rsID available, gnomAD 0.003%). This variant has not been reported in the literature in individuals affected with TRAPPC11-related conditions.